The following is an entry in ClinVar:

NM_000163.5(GHR):c.552G>C (p.Gln184His)

Gene: GHR (growth hormone receptor; plus strand). Cytogenetic location: 5p12.
Variant type: single nucleotide variant.
Coding change: c.552G>C on transcript NM_000163.5 (MANE Select); coding-DNA position 552, G replaced by C.
Protein change: p.Gln184His; replaces glutamine 184 with histidine.
Molecular consequence: missense variant.
Genome position (GRCh38, 1-based): chr5:42,699,936, G>C. VCF-style: chr5-42699936-G-C. GRCh37 (hg19) VCF-style: chr5-42700038-G-C.
Other names: c.573G>C, p.Gln191His (NM_001242399.2); c.552G>C, p.Gln184His (NM_001242400.2, NM_001242401.4, NM_001242402.2 and 5 more transcripts); c.486G>C, p.Gln162His (NM_001242460.2); short protein forms Q162H, Q184H, Q191H.
Identifiers: ClinVar variation 3672403 (VCV003672403.2).
Genomic context (GRCh38, chr5:42,699,936, plus strand): 5'-AACTGGGATTCATGCAGATATCCAAGTGAGATGGGAAGCACCACGCAATGCAGATATTCA[G>C]AAAGGATGGATGGTTCTGGAGTATGAACTTCAATACAAAGAAGTAAATGAAACTAAATGG-3'
Protein context (NP_000154.1, residues 174-194): RWEAPRNADI[Gln184His]KGWMVLEYEL

ClinVar aggregate classification (germline): Uncertain significance (1 of 4 stars; one submission).

gnomAD v4.1: 8 of 1,600,284 alleles (0.0005%); highest among the groups gnomAD compares: Non-Finnish European, 0.00069%; no homozygotes.

Submission:

Labcorp Genetics (formerly Invitae), Labcorp
Classification: Uncertain significance. Last evaluated: 2024-12-04. Review status: criteria provided, single submitter. Criteria: Invitae Variant Classification Sherloc (09022015). Collection method: clinical testing. Allele origin: germline.
Comment: This sequence change replaces glutamine, which is neutral and polar, with histidine, which is basic and polar, at codon 184 of the GHR protein (p.Gln184His). This variant is present in population databases (no rsID available, gnomAD 0.0009%). This variant has not been reported in the literature in individuals affected with GHR-related conditions. Invitae Evidence Modeling of protein sequence and biophysical properties (such as structural, functional, and spatial information, amino acid conservation, physicochemical variation, residue mobility, and thermodynamic stability) indicates that this missense variant is not expected to disrupt GHR protein function with a negative predictive value of 95%. In summary, the available evidence is currently insufficient to determine the role of this variant in disease. Therefore, it has been classified as a Variant of Uncertain Significance.